The following is an entry in ClinVar:

NM_002098.6(GUCA1B):c.386_387inv (p.Arg129Pro)

Gene: GUCA1B (guanylate cyclase activator 1B; minus strand). Cytogenetic location: 6p21.1.
Variant type: Inversion.
Coding change: c.386_387inv on transcript NM_002098.6 (MANE Select).
Protein change: p.Arg129Pro; replaces arginine 129 with proline.
Molecular consequence: missense variant.
Genome position: GRCh38 VCF-style: chr6-42185768-CC-GG. GRCh37 (hg19) VCF-style: chr6-42153506-CC-GG.
Other names: short protein forms R129P.
Identifiers: ClinVar variation 2751029 (VCV002751029.3), ClinGen allele CA2697553368.

ClinVar aggregate classification (germline): Uncertain significance (1 of 4 stars; one submission).

Submission:

Labcorp Genetics (formerly Invitae), Labcorp
Classification: Uncertain significance. Last evaluated: 2023-08-14. Review status: criteria provided, single submitter. Criteria: Invitae Variant Classification Sherloc (09022015). Collection method: clinical testing. Allele origin: germline.
Comment: This sequence change replaces arginine, which is basic and polar, with proline, which is neutral and non-polar, at codon 129 of the GUCA1B protein (p.Arg129Pro). Information on the frequency of this variant in the gnomAD database is not available, as this variant may be reported differently in the database. This variant has not been reported in the literature in individuals affected with GUCA1B-related conditions. An algorithm developed to predict the effect of missense changes on protein structure and function (PolyPhen-2) suggests that this variant is likely to be tolerated. In summary, the available evidence is currently insufficient to determine the role of this variant in disease. Therefore, it has been classified as a Variant of Uncertain Significance.